The following is an entry in ClinVar:

NM_000203.5(IDUA):c.1646G>T (p.Gly549Val)

Gene: IDUA (alpha-L-iduronidase; plus strand). Cytogenetic location: 4p16.3.
Variant type: single nucleotide variant.
Coding change: c.1646G>T on transcript NM_000203.5 (MANE Select); coding-DNA position 1646, G replaced by T.
Protein change: p.Gly549Val; replaces glycine 549 with valine.
Molecular consequence: missense variant. On other transcripts: non-coding transcript variant (1).
Genome position (GRCh38, 1-based): chr4:1,003,466, G>T. VCF-style: chr4-1003466-G-T. GRCh37 (hg19) VCF-style: chr4-997254-G-T.
Other names: c.1250G>T, p.Gly417Val (NM_001363576.1); short protein forms G417V, G549V.
Identifiers: ClinVar variation 1310014 (VCV001310014.7), dbSNP rs1171379194, ClinGen allele CA355965128.
Genomic context (GRCh38, chr4:1,003,466, plus strand): 5'-CGCTGCGGCTGCCGTCGCTTTTGCTGGTGCACGTGTGTGCGCGCCCCGAGAAGCCGCCCG[G>T]GCAGGCAAGTGGCAGTCCCCTAACCCGCGCCGCGGCCCGGACTCCCCTTCCCCGACGCCA-3'
Protein context (NP_000194.2, residues 539-559): HVCARPEKPP[Gly549Val]QVTRLRALPL

ClinVar aggregate classification (germline): Uncertain significance. Review status: criteria provided, multiple submitters, no conflicts (2 of 4 stars). 2 submissions from 2 submitters: Uncertain significance (2). Last evaluated 2026-10-22.

Conditions:
Mucopolysaccharidosis type 1. Also called: Mucopolysaccharidosis Type I; IDUA deficiency; MPS I. Identifiers: Orphanet 579, MedGen C0023786, MONDO:0001586.

Allele frequency attached by ClinVar (database versions not stated): gnomAD exomes 0.00001; TOPMed 0.00001; gnomAD 0.00001.
gnomAD v4.1: 15 of 1,567,118 alleles (0.00096%); highest among the groups gnomAD compares: Non-Finnish European, 0.0012%; no homozygotes.

Submissions (2):

GeneDx
Classification: Uncertain significance. Last evaluated: 2026-10-22. Review status: criteria provided, single submitter. Criteria: GeneDx Variant Classification Process June 2021. Collection method: clinical testing. Allele origin: germline.
Comment: Not observed at significant frequency in large population cohorts (gnomAD); In silico analysis supports that this missense variant has a deleterious effect on protein structure/function; Has not been previously published as pathogenic or benign to our knowledge

Labcorp Genetics (formerly Invitae), Labcorp
Classification: Uncertain significance for Mucopolysaccharidosis type 1. Last evaluated: 2022-01-18. Review status: criteria provided, single submitter. Criteria: Invitae Variant Classification Sherloc (09022015). Collection method: clinical testing. Allele origin: germline.
Comment: This variant has not been reported in the literature in individuals affected with IDUA-related conditions. In summary, the available evidence is currently insufficient to determine the role of this variant in disease. Therefore, it has been classified as a Variant of Uncertain Significance. Algorithms developed to predict the effect of missense changes on protein structure and function are either unavailable or do not agree on the potential impact of this missense change (SIFT: "Tolerated"; PolyPhen-2: "Possibly Damaging"; Align-GVGD: "Class C0"). ClinVar contains an entry for this variant (Variation ID: 1310014). The frequency data for this variant in the population databases is considered unreliable, as metrics indicate poor data quality at this position in the gnomAD database. This sequence change replaces glycine, which is neutral and non-polar, with valine, which is neutral and non-polar, at codon 549 of the IDUA protein (p.Gly549Val).